The following is an entry in ClinVar:

NM_007055.4(POLR3A):c.340C>T (p.His114Tyr)

Genes: POLR3A (RNA polymerase III subunit A; minus strand), LOC126860971 (CDK7 strongly-dependent group 2 enhancer GRCh37_chr10:79784551-79785750; plus strand). Cytogenetic location: 10q22.3.
Variant type: single nucleotide variant.
Coding change: c.340C>T on transcript NM_007055.4 (MANE Select); coding-DNA position 340, C replaced by T.
Protein change: p.His114Tyr; replaces histidine 114 with tyrosine.
Molecular consequence: missense variant.
Genome position (GRCh38, 1-based): chr10:78,025,121, G>A on the plus strand (C>T on the coding strand, the complement: POLR3A is on the minus strand). VCF-style: chr10-78025121-G-A. GRCh37 (hg19) VCF-style: chr10-79784879-G-A.
Other names: short protein forms H114Y.
Identifiers: ClinVar variation 1413017 (VCV001413017.19), dbSNP rs768653450, ClinGen allele CA5571720.

ClinVar aggregate classification (germline): Uncertain significance. Review status: criteria provided, multiple submitters, no conflicts (2 of 4 stars). 3 submissions from 3 submitters: Uncertain significance (3). Last evaluated 2026-01-05.

Allele frequency attached by ClinVar (database versions not stated): ExAC 0.00002; gnomAD 0.00002; gnomAD exomes 0.00002; TOPMed 0.00004.

Submissions (3):

Labcorp Genetics (formerly Invitae), Labcorp
Classification: Uncertain significance. Last evaluated: 2026-01-05. Review status: criteria provided, single submitter. Criteria: Invitae Variant Classification Sherloc (09022015). Collection method: clinical testing. Allele origin: germline.
Comment: This sequence change replaces histidine, which is basic and polar, with tyrosine, which is neutral and polar, at codon 114 of the POLR3A protein (p.His114Tyr). This variant is present in population databases (rs768653450, gnomAD 0.01%). This variant has not been reported in the literature in individuals affected with POLR3A-related conditions. ClinVar contains an entry for this variant (Variation ID: 1413017). Invitae Evidence Modeling of protein sequence and biophysical properties (such as structural, functional, and spatial information, amino acid conservation, physicochemical variation, residue mobility, and thermodynamic stability) indicates that this missense variant is not expected to disrupt POLR3A protein function with a negative predictive value of 80%. In summary, the available evidence is currently insufficient to determine the role of this variant in disease. Therefore, it has been classified as a Variant of Uncertain Significance.

CeGaT Center for Human Genetics Tuebingen
Classification: Uncertain significance. Last evaluated: 2024-09-01. Review status: criteria provided, single submitter. Criteria: CeGaT Center For Human Genetics Tuebingen Variant Classification Criteria Version 2. Collection method: clinical testing. Allele origin: germline. Affected: yes. Observed: 1 variant allele.
Comment: POLR3A: PM2

Blueprint Genetics
Classification: Uncertain significance. Last evaluated: 2023-02-08. Review status: criteria provided, single submitter. Criteria: ACMG Guidelines, 2015. Collection method: clinical testing. Allele origin: germline.